The following is an entry in ClinVar:

NM_002887.4(RARS1):c.1625+191_1625+192del

Gene: RARS1 (arginyl-tRNA synthetase 1; plus strand). Cytogenetic location: 5q34.
Variant type: Deletion.
Coding change: c.1625+191_1625+192del on transcript NM_002887.4 (MANE Select); bases 191 to 192 of the intron after coding-DNA position 1625, 2 bases deleted (TT; older notation c.1625+191_1625+192delTT).
Molecular consequence: intron variant.
Genome position (GRCh38, 1-based): chr5:168,517,141-168,517,142, TT deleted; deleting any 2 consecutive bases within chr5:168,517,134-168,517,142 gives the same sequence; the c. name uses the placement nearest the transcript's 3' end. VCF-style (leftmost placement, unchanged base first): chr5-168517133-GTT-G. GRCh37 (hg19) VCF-style: chr5-167944138-GTT-G.
Identifiers: ClinVar variation 2443369 (VCV002443369.1), dbSNP rs372789566, ClinGen allele CA131953097.
Genomic context (GRCh38, chr5:168,517,133, plus strand): 5'-CTCAGCCTCCTGAGTAGCTGGGATTACTGACATACCACCATTACACCTGACTTCTAAAGT[GTT>G]TTTTTTTGTTTGTTTGTTTATTTTTGAGACGGAGTCTCACTCTGTTGCCCACGCTGGAGT-3'

ClinVar aggregate classification (germline): Likely benign (1 of 4 stars; one submission).

Submission:

GeneDx
Classification: Likely benign. Last evaluated: 2019-12-12. Review status: criteria provided, single submitter. Criteria: GeneDx Variant Classification Process June 2021. Collection method: clinical testing. Allele origin: germline. Affected: yes.
Comment: See Variant Classification Assertion Criteria.